The following is an entry in ClinVar:

ClinVar aggregate classification (germline): Benign/Likely benign. Review status: criteria provided, multiple submitters, no conflicts (2 of 4 stars). 6 submissions from 6 submitters: Benign (1); Likely benign (5). Last evaluated 2025-09-27.

Conditions:
Lynch syndrome. Identifiers: Orphanet 144, MedGen C4552100, MONDO:0005835. Disease mechanism: loss of function.
Hereditary nonpolyposis colorectal neoplasms. Identifiers: MedGen C0009405, MeSH D003123.
Hereditary cancer-predisposing syndrome. Also called: Hereditary Cancer Syndrome; Hereditary neoplastic syndrome; Neoplastic Syndromes, Hereditary; Tumor predisposition. Identifiers: Orphanet 140162, MedGen C0027672, MeSH D009386, MONDO:0015356.
Lynch syndrome 4 (LYNCH4). Also called: Hereditary non-polyposis colorectal cancer, type 4; Colorectal cancer, hereditary nonpolyposis, type 4. Identifiers: Orphanet 144, MedGen C1838333, MONDO:0013699, OMIM 614337. Disease mechanism: loss of function.

Allele frequency attached by ClinVar (database versions not stated): gnomAD exomes below 0.00001.
gnomAD v4.1: 2 of 1,614,104 alleles (0.00012%); highest among the groups gnomAD compares: Non-Finnish European, 0.00017%; no homozygotes.

Submissions (6):

Labcorp Genetics (formerly Invitae), Labcorp
Classification: Likely benign for Hereditary nonpolyposis colorectal neoplasms. Last evaluated: 2025-09-27. Review status: criteria provided, single submitter. Criteria: Invitae Variant Classification Sherloc (09022015). Collection method: clinical testing. Allele origin: germline.

Myriad Genetics, Inc.
Classification: Benign for Lynch syndrome 4. Last evaluated: 2025-01-31. Review status: criteria provided, single submitter. Criteria: Myriad Autosomal Dominant, Autosomal Recessive and X-Linked Classification Criteria (2023). Collection method: clinical testing. Allele origin: unknown.
Comment: This variant is considered benign. This variant is a silent/synonymous amino acid change and it is not expected to impact splicing.

All of Us Research Program, National Institutes of Health
Classification: Likely benign for Lynch syndrome. Last evaluated: 2023-11-30. Review status: criteria provided, single submitter. Criteria: ACMG Guidelines, 2015. Collection method: clinical testing. Allele origin: germline. Inheritance: Autosomal dominant inheritance. Observed: 2 variant alleles, 2 heterozygotes.
Comment: This study involves interpretation of variants in research participants for the purpose of population health screening. Participant phenotype was not available at the time of variant classification. Additional details can be found in publication PMID: 35346344, PMCID: PMC8962531

Color Diagnostics, LLC DBA Color Health
Classification: Likely benign for Hereditary cancer-predisposing syndrome. Last evaluated: 2022-11-06. Review status: criteria provided, single submitter. Criteria: ACMG Guidelines, 2015. Collection method: clinical testing. Allele origin: germline.

Ambry Genetics
Classification: Likely benign for Hereditary cancer-predisposing syndrome. Last evaluated: 2017-01-20. Review status: criteria provided, single submitter. Criteria: Ambry Variant Classification Scheme 2023. Collection method: clinical testing. Allele origin: germline.

GeneDx
Classification: Likely benign. Last evaluated: 2016-09-23. Review status: criteria provided, single submitter. Criteria: GeneDx Variant Classification (06012015). Collection method: clinical testing. Allele origin: germline. Affected: yes.
Comment: This variant is considered likely benign or benign based on one or more of the following criteria: it is a conservative change, it occurs at a poorly conserved position in the protein, it is predicted to be benign by multiple in silico algorithms, and/or has population frequency not consistent with disease.

NM_000535.7(PMS2):c.1731G>A (p.Lys577=)

Gene: PMS2 (PMS1 homolog 2, mismatch repair system component; minus strand). Cytogenetic location: 7p22.1.
Variant type: single nucleotide variant.
Coding change: c.1731G>A on transcript NM_000535.7 (MANE Select); coding-DNA position 1731, G replaced by A.
Protein change: p.Lys577=; no amino-acid change (lysine 577 retained).
Molecular consequence: synonymous variant. On other transcripts: non-coding transcript variant (1).
Genome position (GRCh38, 1-based): chr7:5,987,034, C>T on the plus strand (G>A on the coding strand, the complement: PMS2 is on the minus strand). VCF-style: chr7-5987034-C-T. GRCh37 (hg19) VCF-style: chr7-6026665-C-T.
Other names: c.1326G>A, p.Lys442= (NM_001322003.2, NM_001322004.2, NM_001322005.2 and 1 more transcripts); c.1575G>A, p.Lys525= (NM_001322006.2); c.1413G>A, p.Lys471= (NM_001322007.2, NM_001322008.2); c.1170G>A, p.Lys390= (NM_001322010.2); c.798G>A, p.Lys266= (NM_001322011.2, NM_001322012.2); c.1158G>A, p.Lys386= (NM_001322013.2); c.1731G>A, p.Lys577= (NM_001322014.2); c.1422G>A, p.Lys474= (NM_001322015.2).
Identifiers: ClinVar variation 389556 (VCV000389556.18), dbSNP rs1057523469, ClinGen allele CA16605241.